The following is an entry in ClinVar:

ClinVar aggregate classification (germline): Uncertain significance. Review status: criteria provided, single submitter (1 of 4 stars). 2 submissions from 2 submitters: Uncertain significance (1). 1 of the submissions does not count toward it. Last evaluated 2020-04-17.

Conditions:
Congenital stationary night blindness 1D. Also called: Night blindness, congenital stationary (complete), 1D, autosomal recessive. Identifiers: Orphanet 215, MedGen C3151193, MONDO:0013450, OMIM 613830.

Allele frequency attached by ClinVar (database versions not stated): TOPMed below 0.00001.

Submissions (2):

Labcorp Genetics (formerly Invitae), Labcorp
Classification: Uncertain significance. Last evaluated: 2020-04-17. Review status: criteria provided, single submitter. Criteria: Invitae Variant Classification Sherloc (09022015). Collection method: clinical testing. Allele origin: germline.
Comment: Algorithms developed to predict the effect of missense changes on protein structure and function are either unavailable or do not agree on the potential impact of this missense change (SIFT: "Deleterious"; PolyPhen-2: "Probably Damaging"; Align-GVGD: "Class C0"). In summary, the available evidence is currently insufficient to determine the role of this variant in disease. Therefore, it has been classified as a Variant of Uncertain Significance. This variant has been observed in individual(s) with congenital stationary night blindess (PMID: 26822852). ClinVar contains an entry for this variant (Variation ID: 489400). This variant is not present in population databases (ExAC no frequency). This sequence change replaces serine with arginine at codon 990 of the SLC24A1 protein (p.Ser990Arg). The serine residue is highly conserved and there is a moderate physicochemical difference between serine and arginine.

OMIM
Classification: Pathogenic for NIGHT BLINDNESS, CONGENITAL STATIONARY, TYPE 1D. Last evaluated: 2018-02-13. Review status: no assertion criteria provided. Collection method: literature only. Allele origin: germline. Not counted in ClinVar's aggregate classification.

Literature cited by the submitters: PubMed 26822852 (cited by Labcorp Genetics (formerly Invitae), Labcorp and OMIM).

NM_004727.3(SLC24A1):c.2968A>C (p.Ser990Arg)

Gene: SLC24A1 (solute carrier family 24 member 1; plus strand). Cytogenetic location: 15q22.31.
Variant type: single nucleotide variant.
Coding change: c.2968A>C on transcript NM_004727.3 (MANE Select); coding-DNA position 2968, A replaced by C.
Protein change: p.Ser990Arg; replaces serine 990 with arginine.
Molecular consequence: missense variant.
Genome position (GRCh38, 1-based): chr15:65,652,726, A>C. VCF-style: chr15-65652726-A-C. GRCh37 (hg19) VCF-style: chr15-65945064-A-C.
Other names: c.949A>C, p.Ser317Arg (NM_001254740.2); c.2878A>C, p.Ser960Arg (NM_001301031.1); c.2914A>C, p.Ser972Arg (NM_001301032.1, NM_001301033.2); short protein forms S990R, S317R, S960R, S972R.
Identifiers: ClinVar variation 489400 (VCV000489400.10), dbSNP rs1555407654, ClinGen allele CA392902212.